The following is an entry in ClinVar:

ClinVar aggregate classification (germline): Conflicting classifications of pathogenicity. Review status: criteria provided, conflicting classifications (1 of 4 stars). 2 submissions from 2 submitters: Likely pathogenic (1); Uncertain significance (1). Last evaluated 2024-08-22.

Conditions:
Familial cancer of breast. Also called: BREAST CANCER, FAMILIAL; hereditary breast carcinoma; Hereditary breast cancer. Identifiers: Orphanet 227535, MedGen C0346153, MONDO:0016419, OMIM 114480. Disease mechanism: loss of function.

gnomAD v4.1: 37 of 1,613,714 alleles (0.0023%); highest among the groups gnomAD compares: Non-Finnish European, 0.0031%; no homozygotes.

Submissions (3):

Molecular Genetics and NGS Laboratory, Hospital Fundacion Valle Del Lili
Classification: Likely pathogenic for Familial cancer of breast. Last evaluated: 2024-08-22. Review status: criteria provided, single submitter. Criteria: ACMG Guidelines, 2015. Collection method: clinical testing. Allele origin: germline. Affected: yes. Observed: 1 variant allele.
Comment: Variant is predicted splicing and LOF in gene RAD51 is known to cause disease (gene has 6 reported pathogenic LOF variants) (PP3). Alternative variant chr15:40729632 G⇒A (Glu258Lys) is classified Likely Pathogenic, 2 stars, by ClinVar but is classified Uncertain Significance by the germline classifier (PM5). Observed in healthy adults: gnomAD genomes allele count = 5 is greater or equal to 5 for AD gene RAD51 (BS2).

Labcorp Genetics (formerly Invitae), Labcorp
Classification: Uncertain significance. Last evaluated: 2024-05-22. Review status: criteria provided, single submitter. Criteria: Invitae Variant Classification Sherloc (09022015). Collection method: clinical testing. Allele origin: germline.
Comment: This sequence change replaces glutamic acid, which is acidic and polar, with alanine, which is neutral and non-polar, at codon 258 of the RAD51 protein (p.Glu258Ala). This variant is present in population databases (rs191297852, gnomAD 0.005%). This variant has not been reported in the literature in individuals affected with RAD51-related conditions. An algorithm developed to predict the effect of missense changes on protein structure and function (PolyPhen-2) suggests that this variant is likely to be disruptive. Experimental studies have shown that this missense change affects RAD51 function (PMID: 29100040). In summary, the available evidence is currently insufficient to determine the role of this variant in disease. Therefore, it has been classified as a Variant of Uncertain Significance.

Dr. Peter K. Rogan Lab, Western University
No classification provided (evidence only). Condition: Lung cancer. Review status: no classification provided. Collection method: in vitro. Allele origin: not applicable. Functional consequence: retained intron. Not counted in ClinVar's aggregate classification.

Literature cited by the submitters: PubMed 29100040 (cited by Labcorp Genetics (formerly Invitae), Labcorp).

NM_002875.5(RAD51):c.773A>C (p.Glu258Ala)

Gene: RAD51 (RAD51 recombinase; plus strand). Cytogenetic location: 15q15.1.
Variant type: single nucleotide variant.
Coding change: c.773A>C on transcript NM_002875.5 (MANE Select); coding-DNA position 773, A replaced by C.
Protein change: p.Glu258Ala; replaces glutamic acid 258 with alanine.
Molecular consequence: missense variant.
Genome position (GRCh38, 1-based): chr15:40,729,633, A>C. VCF-style: chr15-40729633-A-C. GRCh37 (hg19) VCF-style: chr15-41021831-A-C.
Other names: p.Glu258Ala; c.776A>C, p.Glu259Ala (NM_001164269.2, NM_133487.4); c.773A>C, p.Glu258Ala (NM_001164270.2); short protein forms E258A, E259A.
Identifiers: ClinVar variation 3338665 (VCV003338665.5).
Genomic context (GRCh38, chr15:40,729,633, plus strand): 5'-TTTCAGCCAGGCAGATGCACTTGGCCAGGTTTCTGCGGATGCTTCTGCGACTCGCTGATG[A>C]GGTAAGTTGTGGGATAGGGACAGAGAATGCCTACTTTCAGTGGCTGTGAATTCCAGGAGC-3'
Protein context (NP_002866.2, residues 248-268): FLRMLLRLAD[Glu258Ala]FGVAVVITNQ